The following is an entry in ClinVar:

ClinVar aggregate classification (germline): Likely benign. Review status: criteria provided, multiple submitters, no conflicts (2 of 4 stars). 2 submissions from 2 submitters: Likely benign (2). Last evaluated 2026-01-03.

Conditions:
Osteogenesis imperfecta type 8 (OI8). Identifiers: MedGen C1970458, MONDO:0012581, OMIM 610915.
P3H1-related disorder. Also called: P3H1-related condition.

Allele frequency attached by ClinVar (database versions not stated): 1000 Genomes Project 30x 0.00016; 1000 Genomes Project 0.00020; TOPMed 0.00024; gnomAD 0.00031 and 0.00036; ESP Exome Variant Server 0.00038; gnomAD exomes 0.00002 and 0.00005; ExAC 0.00007.
gnomAD v4.1: 79 of 1,614,222 alleles (0.0049%); highest among the groups gnomAD compares: African/African-American, 0.1%; no homozygotes.

Submissions (2):

Labcorp Genetics (formerly Invitae), Labcorp
Classification: Likely benign for Osteogenesis imperfecta type 8. Last evaluated: 2026-01-03. Review status: criteria provided, single submitter. Criteria: Invitae Variant Classification Sherloc (09022015). Collection method: clinical testing. Allele origin: germline.

PreventionGenetics, part of Exact Sciences
Classification: Likely benign for P3H1-related condition. Last evaluated: 2025-09-10. Review status: criteria provided, single submitter. Criteria: ACMG Guidelines, 2015. Collection method: clinical testing. Allele origin: germline.
Comment: This variant is classified as likely benign based on ACMG/AMP sequence variant interpretation guidelines (Richards et al. 2015 PMID: 25741868, with internal and published modifications).

NM_022356.4(P3H1):c.918T>C (p.Tyr306=)

Gene: P3H1 (prolyl 3-hydroxylase 1; minus strand). Cytogenetic location: 1p34.2.
Variant type: single nucleotide variant.
Coding change: c.918T>C on transcript NM_022356.4 (MANE Select); coding-DNA position 918, T replaced by C.
Protein change: p.Tyr306=; no amino-acid change (tyrosine 306 retained).
Molecular consequence: synonymous variant.
Genome position (GRCh38, 1-based): chr1:42,758,874, A>G on the plus strand (T>C on the coding strand, the complement: P3H1 is on the minus strand). VCF-style: chr1-42758874-A-G. GRCh37 (hg19) VCF-style: chr1-43224545-A-G.
Other names: c.918T>C, p.Tyr306= (NM_001146289.2, NM_001243246.2); c.918T>C (NM_022356.3).
Identifiers: ClinVar variation 1091371 (VCV001091371.10), dbSNP rs147898950, ClinGen allele CA802041.